The following is an entry in ClinVar:

NM_199420.4(POLQ):c.4861A>T (p.Thr1621Ser)

Gene: POLQ (DNA polymerase theta; minus strand). Cytogenetic location: 3q13.33.
Variant type: single nucleotide variant.
Coding change: c.4861A>T on transcript NM_199420.4 (MANE Select); coding-DNA position 4861, A replaced by T.
Protein change: p.Thr1621Ser; replaces threonine 1621 with serine.
Molecular consequence: missense variant.
Genome position (GRCh38, 1-based): chr3:121,488,070, T>A on the plus strand (A>T on the coding strand, the complement: POLQ is on the minus strand). VCF-style: chr3-121488070-T-A. GRCh37 (hg19) VCF-style: chr3-121206917-T-A.
Other names: short protein forms T1621S.
Identifiers: ClinVar variation 1743649 (VCV001743649.2), dbSNP rs1279583976, ClinGen allele CA354093523.

ClinVar aggregate classification (germline): Uncertain significance (1 of 4 stars; one submission).

Submission:

Ambry Genetics
Classification: Uncertain significance. Last evaluated: 2021-11-07. Review status: criteria provided, single submitter. Criteria: Ambry Variant Classification Scheme 2023. Collection method: clinical testing. Allele origin: germline.
Comment: The p.T1621S variant (also known as c.4861A>T), located in coding exon 16 of the POLQ gene, results from an A to T substitution at nucleotide position 4861. The threonine at codon 1621 is replaced by serine, an amino acid with similar properties. This amino acid position is conserved. In addition, this alteration is predicted to be tolerated by in silico analysis. Since supporting evidence is limited at this time, the clinical significance of this alteration remains unclear.